The following is an entry in ClinVar:

ClinVar aggregate classification (germline): Conflicting classifications of pathogenicity. Review status: criteria provided, conflicting classifications (1 of 4 stars). 4 submissions from 4 submitters: Likely pathogenic (3); Uncertain significance (1). Last evaluated 2026-07-16.

Conditions:
Very long chain acyl-CoA dehydrogenase deficiency (ACADVLD). Also called: Very Long-Chain Acyl-Coenzyme A Dehydrogenase Deficiency; VLCAD Deficiency. Identifiers: Orphanet 26793, MedGen C3887523, MONDO:0008723, OMIM 201475.

gnomAD v4.1: 2 of 1,614,136 alleles (0.00012%); highest among the groups gnomAD compares: Non-Finnish European, 0.00017%; no homozygotes.

Submissions (4):

Myriad Genetics, Inc.
Classification: Uncertain significance for Very long chain acyl-CoA dehydrogenase deficiency. Last evaluated: 2026-07-16. Review status: criteria provided, single submitter. Criteria: Myriad Autosomal Dominant, Autosomal Recessive and X-Linked Classification Criteria (2023). Collection method: clinical testing. Allele origin: unknown.
Comment: NM_000018.3(ACADVL):c.1469C>T(A490V) is a missense variant classified as a variant of uncertain significance in the context of very-long-chain acyl-CoA dehydrogenase deficiency. A490V has not been observed in cases with relevant disease. Relevant functional assessments of this variant are not available in the literature. A490V has not been observed in referenced population frequency databases. In summary, there is insufficient evidence to classify NM_000018.3(ACADVL):c.1469C>T(A490V) as pathogenic or benign. Please note: this variant was assessed in the context of healthy population screening.

Women's Health and Genetics/Laboratory Corporation of America, LabCorp
Classification: Likely pathogenic for Very long chain acyl-CoA dehydrogenase deficiency. Last evaluated: 2025-05-06. Review status: criteria provided, single submitter. Criteria: LabCorp Variant Classification Summary - May 2015. Collection method: clinical testing. Allele origin: germline.
Comment: Variant summary: ACADVL c.1469C>T (p.Ala490Val) results in a non-conservative amino acid change in the encoded protein sequence. Algorithms developed to predict the effect of missense changes on protein structure and function all suggest that this variant is likely to be disruptive. The variant was absent in 251372 control chromosomes. c.1469C>T has been observed in the presumed compound heterozygous state in at least 1 individual(s) affected with Very Long Chain Acyl-CoA Dehydrogenase Deficiency (example, Souri_1998). At least one publication reports experimental evidence evaluating an impact on protein function. The most pronounced variant effect results in 10%-<30% of normal activity in vitro for at least 1 substrate of the enzyme (example, Souri_1998). A different variant at this codon (c.1468G>C, p.Ala490Pro) has been classified as Likely Pathogenic/Pathogenic at Labcorp, supporting the critical relevance of codon 490 for ACADVL protein function. The following publication has been ascertained in the context of this evaluation (PMID: 9839948). ClinVar contains an entry for this variant (Variation ID: 2740845). Based on the evidence outlined above, the variant was classified as likely pathogenic.

Natera, Inc.
Classification: Likely pathogenic for Very long chain acyl-CoA dehydrogenase deficiency. Last evaluated: 2024-03-12. Review status: criteria provided, single submitter. Criteria: Natera Variant Classification Schema (03/2026). Collection method: clinical testing. Allele origin: germline.
Comment: The c.1469C>T variant in ACADVL is a missense variant predicted to cause substitution of alanine to valine at amino acid 490. This variant is rare in the general population with a frequency below the threshold expected for the associated phenotype(s). This variant is located in a functionally critical region of the protein. A different variant at the same position has been determined to be Pathogenic or Likely Pathogenic. Given the available evidence, this variant is classified as Likely Pathogenic.

Labcorp Genetics (formerly Invitae), Labcorp
Classification: Likely pathogenic for Very long chain acyl-CoA dehydrogenase deficiency. Last evaluated: 2023-08-21. Review status: criteria provided, single submitter. Criteria: Invitae Variant Classification Sherloc (09022015). Collection method: clinical testing. Allele origin: germline.
Comment: This sequence change replaces alanine, which is neutral and non-polar, with valine, which is neutral and non-polar, at codon 490 of the ACADVL protein (p.Ala490Val). This variant is not present in population databases (gnomAD no frequency). This variant has not been reported in the literature in individuals affected with ACADVL-related conditions. Advanced modeling of protein sequence and biophysical properties (such as structural, functional, and spatial information, amino acid conservation, physicochemical variation, residue mobility, and thermodynamic stability) performed at Invitae indicates that this missense variant is expected to disrupt ACADVL protein function. This variant disrupts the p.Ala490 amino acid residue in ACADVL. Other variant(s) that disrupt this residue have been determined to be pathogenic (PMID: 10077518, 14517516, 17374501, 26453363). This suggests that this residue is clinically significant, and that variants that disrupt this residue are likely to be disease-causing. In summary, the currently available evidence indicates that the variant is pathogenic, but additional data are needed to prove that conclusively. Therefore, this variant has been classified as Likely Pathogenic.

Literature cited by the submitters: PubMed 9839948 (cited by Women's Health and Genetics/Laboratory Corporation of America, LabCorp); PubMed 10077518 (cited by Labcorp Genetics (formerly Invitae), Labcorp); PubMed 14517516 (cited by Labcorp Genetics (formerly Invitae), Labcorp); PubMed 17374501 (cited by Labcorp Genetics (formerly Invitae), Labcorp); PubMed 26453363 (cited by Labcorp Genetics (formerly Invitae), Labcorp).

NM_000018.4(ACADVL):c.1469C>T (p.Ala490Val)

Gene: ACADVL (acyl-CoA dehydrogenase very long chain; plus strand). Cytogenetic location: 17p13.1.
Variant type: single nucleotide variant.
Coding change: c.1469C>T on transcript NM_000018.4 (MANE Select); coding-DNA position 1469, C replaced by T.
Protein change: p.Ala490Val; replaces alanine 490 with valine.
Molecular consequence: missense variant.
Genome position (GRCh38, 1-based): chr17:7,224,180, C>T. VCF-style: chr17-7224180-C-T. GRCh37 (hg19) VCF-style: chr17-7127499-C-T.
Other names: c.1403C>T, p.Ala468Val (NM_001033859.3); c.1538C>T, p.Ala513Val (NM_001270447.2); c.1241C>T, p.Ala414Val (NM_001270448.2); c.1469C>T (NM_000018.3); short protein forms A414V, A513V, A468V, A490V.
Identifiers: ClinVar variation 2740845 (VCV002740845.4), dbSNP rs767941627, ClinGen allele CA397725192.